The following is an entry in ClinVar:

ClinVar aggregate classification (germline): Uncertain significance (1 of 4 stars; one submission).

gnomAD v4.1: 1 of 1,614,164 alleles (0.000062%); highest among the groups gnomAD compares: Admixed American, 0.0017%; no homozygotes.

Submission:

GeneDx
Classification: Uncertain significance. Last evaluated: 2016-02-19. Review status: criteria provided, single submitter. Criteria: GeneDx Variant Classification (06012015). Collection method: clinical testing. Allele origin: germline. Affected: yes.
Comment: The R1295W variant has not been published as a pathogenic variant, nor has it been reported as a benign variant to our knowledge. It was not observed in approximately 6,500 individuals of European and African American ancestry in the NHLBI Exome Sequencing Project, indicating it is not a common benign variant in these populations. The R1295W variant is a non-conservative amino acid substitution, which is likely to impact secondary protein structure as these residues differ in polarity, charge, size and/or other properties. This substitution occurs at a position that is conserved in mammals and in silico analysis predicts this variant is probably damaging to the protein structure/function. However, missense variants in nearby residues have not been reported in the Human Gene Mutation Database in association with GRIN2B-related disorders (Stenson et al., 2014). Therefore, based on the currently available information, it is unclear whether this variant is a pathogenic variant or a rare benign variant.

NM_000834.5(GRIN2B):c.3883C>T (p.Arg1295Trp)

Gene: GRIN2B (glutamate ionotropic receptor NMDA type subunit 2B; minus strand). Cytogenetic location: 12p13.1.
Variant type: single nucleotide variant.
Coding change: c.3883C>T on transcript NM_000834.5 (MANE Select); coding-DNA position 3883, C replaced by T.
Protein change: p.Arg1295Trp; replaces arginine 1295 with tryptophan.
Molecular consequence: missense variant.
Genome position (GRCh38, 1-based): chr12:13,563,355, G>A on the plus strand (C>T on the coding strand, the complement: GRIN2B is on the minus strand). VCF-style: chr12-13563355-G-A. GRCh37 (hg19) VCF-style: chr12-13716289-G-A.
Other names: short protein forms R1295W.
Identifiers: ClinVar variation 246384 (VCV000246384.2), dbSNP rs560662030, ClinGen allele CA6460826.